The following is an entry in ClinVar:

ClinVar aggregate classification (germline): Benign/Likely benign. Review status: criteria provided, multiple submitters, no conflicts (2 of 4 stars). 3 submissions from 3 submitters: Benign (1); Likely benign (2). Last evaluated 2026-10-01.

Conditions:
Cornelia de Lange syndrome 1 (CDLS1). Also called: NIPBL-Related Cornelia de Lange Syndrome; TYPUS DEGENERATIVUS AMSTELODAMENSIS; Brachmann de Lange syndrome. Identifiers: Orphanet 199, MedGen C4551851, MONDO:0007387, OMIM 122470.

Allele frequency attached by ClinVar (database versions not stated): 1000 Genomes Project 0.00160; 1000 Genomes Project 30x 0.00172; TOPMed 0.00258; gnomAD 0.00284 and 0.00290.
gnomAD v4.1: 1,293 of 347,926 alleles (0.37%); highest among the groups gnomAD compares: Middle Eastern, 1.4%; 6 homozygotes.

Submissions (3):

CeGaT Center for Human Genetics Tuebingen
Classification: Benign. Last evaluated: 2026-10-01. Review status: criteria provided, single submitter. Criteria: CeGaT Center For Human Genetics Tuebingen Variant Classification Criteria Version 2. Collection method: clinical testing. Allele origin: germline. Affected: yes. Observed: 49 variant alleles.
Comment: NIPBL: BS1, BS2

Blueprint Genetics
Classification: Likely benign. Last evaluated: 2024-11-22. Review status: criteria provided, single submitter. Criteria: ACMG Guidelines, 2015. Collection method: clinical testing. Allele origin: germline.

Illumina Laboratory Services, Illumina
Classification: Likely benign for Cornelia de Lange syndrome 1. Last evaluated: 2018-01-13. Review status: criteria provided, single submitter. Criteria: ICSL Variant Classification Criteria 13 December 2019. Collection method: clinical testing. Allele origin: germline.
Comment: This variant was observed in the ICSL laboratory as part of a predisposition screen in an ostensibly healthy population. It had not been previously curated by ICSL or reported in the Human Gene Mutation Database (HGMD: prior to June 1st, 2018), and was therefore a candidate for classification through an automated scoring system. Utilizing variant allele frequency, disease prevalence and penetrance estimates, and inheritance mode, an automated score was calculated to assess if this variant is too frequent to cause the disease. Based on the score and internal cut-off values, a variant classified as likely benign is not then subjected to further curation. The score for this variant resulted in a classification of likely benign for this disease.

NM_133433.4(NIPBL):c.-312T>A

Gene: NIPBL (NIPBL cohesin loading factor; plus strand). Cytogenetic location: 5p13.2.
Variant type: single nucleotide variant.
Coding change: c.-312T>A on transcript NM_133433.4 (MANE Select); 312 bases upstream of the start codon, T replaced by A.
Molecular consequence: 5 prime UTR variant.
Genome position (GRCh38, 1-based): chr5:36,876,946, T>A. VCF-style: chr5-36876946-T-A. GRCh37 (hg19) VCF-style: chr5-36877048-T-A.
Other names: c.-312T>A (NM_015384.5).
Identifiers: ClinVar variation 353366 (VCV000353366.37), dbSNP rs540966156, ClinGen allele CA10621714.